The following is an entry in ClinVar:

NM_002878.4(RAD51D):c.83-18T>C

Genes: RAD51L3-RFFL (RAD51L3-RFFL readthrough; minus strand), RAD51D (RAD51 paralog D; minus strand). Cytogenetic location: 17q12.
Variant type: single nucleotide variant.
Coding change: c.83-18T>C on transcript NM_002878.4 (MANE Select); 18 bases into the intron before coding-DNA position 83, T replaced by C.
Molecular consequence: intron variant.
Genome position (GRCh38, 1-based): chr17:35,119,190, A>G on the plus strand (T>C on the coding strand, the complement: RAD51D is on the minus strand). VCF-style: chr17-35119190-A-G. GRCh37 (hg19) VCF-style: chr17-33446209-A-G.
Other names: c.83-18T>C (NM_133629.3, NM_001142571.2).
Identifiers: ClinVar variation 1660798 (VCV001660798.9), dbSNP rs772607779, ClinGen allele CA8499674.
Genomic context (GRCh38, chr17:35,119,190, plus strand): 5'-TTCTGAGCTACCTCTTCCAGGTCTGCAGAAACCAGGTCCACCACTGAAAACAAAACACGT[A>G]TAGCGGATTGGCAGAGAGGACTGGGGCCTCCCACACTTGGTTTTTCCTCATCTGTCAAAT-3'

ClinVar aggregate classification (germline): Likely benign. Review status: criteria provided, multiple submitters, no conflicts (2 of 4 stars). 2 submissions from 2 submitters: Likely benign (2). Last evaluated 2026-01-10.

Conditions:
Breast-ovarian cancer, familial, susceptibility to, 4. Identifiers: Orphanet 145, MedGen C3280345, MONDO:0013669, OMIM 614291.

Allele frequency attached by ClinVar (database versions not stated): gnomAD exomes below 0.00001; ExAC 0.00001.
gnomAD v4.1: 2 of 1,609,946 alleles (0.00012%); highest among the groups gnomAD compares: Admixed American, 0.0033%; no homozygotes.

Submissions (2):

Labcorp Genetics (formerly Invitae), Labcorp
Classification: Likely benign for Breast-ovarian cancer, familial, susceptibility to, 4. Last evaluated: 2026-01-10. Review status: criteria provided, single submitter. Criteria: Invitae Variant Classification Sherloc (09022015). Collection method: clinical testing. Allele origin: germline.

Myriad Genetics, Inc.
Classification: Likely benign for Breast-ovarian cancer, familial, susceptibility to, 4. Last evaluated: 2025-02-20. Review status: criteria provided, single submitter. Criteria: Myriad Autosomal Dominant, Autosomal Recessive and X-Linked Classification Criteria (2023). Collection method: clinical testing. Allele origin: unknown.
Comment: This variant is considered likely benign. This variant is intronic and is not expected to impact mRNA splicing.